The following is an entry in ClinVar:

ClinVar aggregate classification (germline): Uncertain significance (1 of 4 stars; one submission).

Conditions:
Hereditary cancer-predisposing syndrome. Also called: Neoplastic Syndromes, Hereditary; Tumor predisposition; Hereditary neoplastic syndrome; Hereditary Cancer Syndrome. Identifiers: Orphanet 140162, MedGen C0027672, MeSH D009386, MONDO:0015356.

Submission:

Ambry Genetics
Classification: Uncertain significance for Hereditary cancer-predisposing syndrome. Last evaluated: 2026-08-31. Review status: criteria provided, single submitter. Criteria: Ambry Variant Classification Scheme 2023. Collection method: clinical testing. Allele origin: germline.
Comment: The p.Q404H variant (also known as c.1212A>C), located in coding exon 10 of the MRE11A gene, results from an A to C substitution at nucleotide position 1212. The glutamine at codon 404 is replaced by histidine, an amino acid with highly similar properties. This amino acid position is conserved. In addition, this alteration is predicted to be tolerated by in silico analysis. Based on the available evidence, the clinical significance of this variant remains unclear.

NM_005591.4(MRE11):c.1212A>C (p.Gln404His)

Gene: MRE11 (MRE11 double strand break repair nuclease; minus strand). Cytogenetic location: 11q21.
Variant type: single nucleotide variant.
Coding change: c.1212A>C on transcript NM_005591.4 (MANE Select); coding-DNA position 1212, A replaced by C.
Protein change: p.Gln404His; replaces glutamine 404 with histidine.
Molecular consequence: missense variant.
Genome position (GRCh38, 1-based): chr11:94,464,126, T>G on the plus strand (A>C on the coding strand, the complement: MRE11 is on the minus strand). VCF-style: chr11-94464126-T-G. GRCh37 (hg19) VCF-style: chr11-94197292-T-G.
Other names: c.1212A>C, p.Gln404His (NM_001330347.2, NM_001440460.1, NM_001440461.1 and 15 more transcripts); c.1131A>C, p.Gln377His (NM_001440477.1, NM_001440478.1, NM_001440473.1); c.1137A>C, p.Gln379His (NM_001440479.1, NM_001440471.1, NM_001440472.1); c.867A>C, p.Gln289His (NM_001440482.1, NM_001440483.1, NM_001440484.1); c.744A>C, p.Gln248His (NM_001440485.1, NM_001440486.1, NM_001440487.1); short protein forms Q289H, Q379H, Q248H, Q377H, Q404H.
Identifiers: ClinVar variation 5024696 (VCV005024696.1).